The following is an entry in ClinVar:

NM_001458.5(FLNC):c.1373C>G (p.Pro458Arg)

Gene: FLNC (filamin C; plus strand). Cytogenetic location: 7q32.1.
Variant type: single nucleotide variant.
Coding change: c.1373C>G on transcript NM_001458.5 (MANE Select); coding-DNA position 1373, C replaced by G.
Protein change: p.Pro458Arg; replaces proline 458 with arginine.
Molecular consequence: missense variant.
Genome position (GRCh38, 1-based): chr7:128,838,765, C>G. VCF-style: chr7-128838765-C-G. GRCh37 (hg19) VCF-style: chr7-128478819-C-G.
Other names: c.1373C>G, p.Pro458Arg (NM_001127487.2); short protein forms P458R.
Identifiers: ClinVar variation 837488 (VCV000837488.13), dbSNP rs1808210779, ClinGen allele CA369225139.

ClinVar aggregate classification (germline): Uncertain significance. Review status: criteria provided, multiple submitters, no conflicts (2 of 4 stars). 3 submissions from 3 submitters: Uncertain significance (3). Last evaluated 2025-08-12.

Conditions:
Myofibrillar myopathy 5. Also called: Filaminopathy (type); FILAMINOPATHY, AUTOSOMAL DOMINANT. Identifiers: Orphanet 171445, MedGen C1836050, MONDO:0012289, OMIM 609524.
Hypertrophic cardiomyopathy 26. Also called: Cardiomyopathy, familial hypertrophic, 26. Identifiers: Orphanet 75249, MedGen C4310749, MONDO:0014883, OMIM 617047.
Distal myopathy with posterior leg and anterior hand involvement. Also called: WILLIAMS DISTAL MYOPATHY. Identifiers: Orphanet 63273, MedGen C3279722, MONDO:0013550, OMIM 614065.

Allele frequency attached by ClinVar (database versions not stated): gnomAD exomes below 0.00001.
gnomAD v4.1: 2 of 1,612,920 alleles (0.00012%); highest among the groups gnomAD compares: Non-Finnish European, 0.00017%; no homozygotes.

Submissions (3):

GeneDx
Classification: Uncertain significance. Last evaluated: 2025-08-12. Review status: criteria provided, single submitter. Criteria: GeneDx Variant Classification Process June 2021. Collection method: clinical testing. Allele origin: germline. Affected: yes.
Comment: Reported in an adult with sustained ventricular tachycardia and cardiac MRI findings suggestive of right dominant arrhythmogenic cardiomyopathy, although the variant was also identified in several adult relatives with normal cardiac evaluations (PMID: 34601126, 38892455); Not observed at significant frequency in large population cohorts (gnomAD); In silico analysis supports that this missense variant has a deleterious effect on protein structure/function; This variant is associated with the following publications: (PMID: 38892455, 34601126)

Revvity Omics, Revvity
Classification: Uncertain significance. Last evaluated: 2020-09-02. Review status: criteria provided, single submitter. Criteria: ACMG Guidelines, 2015. Collection method: clinical testing. Allele origin: germline.

Labcorp Genetics (formerly Invitae), Labcorp
Classification: Uncertain significance for Distal myopathy with posterior leg and anterior hand involvement; Myofibrillar myopathy 5; Hypertrophic cardiomyopathy 26. Last evaluated: 2019-12-27. Review status: criteria provided, single submitter. Criteria: Invitae Variant Classification Sherloc (09022015). Collection method: clinical testing. Allele origin: germline.
Comment: In summary, the available evidence is currently insufficient to determine the role of this variant in disease. Therefore, it has been classified as a Variant of Uncertain Significance. Algorithms developed to predict the effect of missense changes on protein structure and function (SIFT, PolyPhen-2, Align-GVGD) all suggest that this variant is likely to be tolerated, but these predictions have not been confirmed by published functional studies and their clinical significance is uncertain. This variant has not been reported in the literature in individuals with FLNC-related conditions. This variant is not present in population databases (ExAC no frequency). This sequence change replaces proline with arginine at codon 458 of the FLNC protein (p.Pro458Arg). The proline residue is moderately conserved and there is a moderate physicochemical difference between proline and arginine.